The following is an entry in ClinVar:

NM_000116.5(TAFAZZIN):c.699+3G>T

Gene: TAFAZZIN (tafazzin, phospholipid-lysophospholipid transacylase; plus strand). Cytogenetic location: Xq28.
Variant type: single nucleotide variant.
Coding change: c.699+3G>T on transcript NM_000116.5 (MANE Select); 3 bases into the intron after coding-DNA position 699, G replaced by T.
Molecular consequence: intron variant.
Genome position (GRCh38, 1-based): chrX:154,420,267, G>T. VCF-style: chrX-154420267-G-T. GRCh37 (hg19) VCF-style: chrX-153648606-G-T.
Other names: c.753+3G>T (NM_001440856.1); c.711+3G>T (NM_001303465.2); c.663+3G>T (NM_001410698.1); c.621+3G>T (NM_001440857.1); c.657+3G>T (NM_181312.4); c.609+3G>T (NM_181311.4); c.567+3G>T (NM_181313.4); c.486+3G>T (NM_001440858.1).
Identifiers: ClinVar variation 4727522 (VCV004727522.1).

ClinVar aggregate classification (germline): Uncertain significance (1 of 4 stars; one submission).

Conditions:
3-Methylglutaconic aciduria type 2 (BTHS). Also called: Barth syndrome; CARDIOSKELETAL MYOPATHY WITH NEUTROPENIA AND ABNORMAL MITOCHONDRIA. Identifiers: Orphanet 111, MedGen C0574083, MONDO:0010543, OMIM 302060.

Submission:

Labcorp Genetics (formerly Invitae), Labcorp
Classification: Uncertain significance for 3-Methylglutaconic aciduria type 2. Last evaluated: 2025-09-28. Review status: criteria provided, single submitter. Criteria: Invitae Variant Classification Sherloc (09022015). Collection method: clinical testing. Allele origin: germline.
Comment: This sequence change falls in intron 9 of the TAZ gene. It does not directly change the encoded amino acid sequence of the TAZ protein. It affects a nucleotide within the consensus splice site. This variant is not present in population databases (gnomAD no frequency). This variant has not been reported in the literature in individuals affected with TAZ-related conditions. Variants that disrupt the consensus splice site are a relatively common cause of aberrant splicing (PMID: 17576681, 9536098). Algorithms developed to predict the effect of sequence changes on RNA splicing suggest that this variant may disrupt the consensus splice site. In summary, the available evidence is currently insufficient to determine the role of this variant in disease. Therefore, it has been classified as a Variant of Uncertain Significance.

Literature cited by the submitters: PubMed 17576681; PubMed 9536098.